The following is an entry in ClinVar:

ClinVar aggregate classification (germline): Benign (1 of 4 stars; one submission).

Conditions:
Juvenile polyposis/hereditary hemorrhagic telangiectasia syndrome (JPHT). Also called: JP/HHT SYNDROME; JUVENILE POLYPOSIS WITH HEREDITARY HEMORRHAGIC TELANGIECTASIA; POLYPOSIS, GENERALIZED JUVENILE, WITH PULMONARY ARTERIOVENOUS MALFORMATION; TELANGIECTASIA, HEREDITARY HEMORRHAGIC, WITH JUVENILE POLYPOSIS COLI; Juvenile Polyposis Syndrome / Hereditary Hemorrhagic Telangiectasia (JPS/HHT). Identifiers: Orphanet 2929, MedGen C1832942, MONDO:0008278, OMIM 175050.

Submission:

Myriad Genetics, Inc.
Classification: Benign for Juvenile polyposis/hereditary hemorrhagic telangiectasia syndrome. Last evaluated: 2025-03-21. Review status: criteria provided, single submitter. Criteria: Myriad Autosomal Dominant, Autosomal Recessive and X-Linked Classification Criteria (2023). Collection method: clinical testing. Allele origin: unknown.
Comment: This variant is considered benign. This variant is a silent/synonymous amino acid change and it is not expected to impact splicing.

NM_005359.6(SMAD4):c.1095T>C (p.Gly365=)

Gene: SMAD4 (SMAD family member 4; plus strand). Cytogenetic location: 18q21.2.
Variant type: single nucleotide variant.
Coding change: c.1095T>C on transcript NM_005359.6 (MANE Select); coding-DNA position 1095, T replaced by C.
Protein change: p.Gly365=; no amino-acid change (glycine 365 retained).
Molecular consequence: synonymous variant. On other transcripts: non-coding transcript variant (2).
Genome position (GRCh38, 1-based): chr18:51,065,562, T>C. VCF-style: chr18-51065562-T-C. GRCh37 (hg19) VCF-style: chr18-48591932-T-C.
Other names: c.1095T>C, p.Gly365= (NM_001407041.1, NM_001407042.1, NM_001407043.1).
Identifiers: ClinVar variation 3903752 (VCV003903752.1).